The following is an entry in ClinVar:

ClinVar aggregate classification (germline): Uncertain significance (1 of 4 stars; one submission).

gnomAD v4.1: 2 of 1,613,460 alleles (0.00012%); no homozygotes.

Submission:

GeneDx
Classification: Uncertain significance. Last evaluated: 2022-03-11. Review status: criteria provided, single submitter. Criteria: GeneDx Variant Classification Process June 2021. Collection method: clinical testing. Allele origin: germline. Affected: yes.
Comment: Not observed at significant frequency in large population cohorts (gnomAD); In silico analysis supports that this missense variant does not alter protein structure/function; Has not been previously published as pathogenic or benign to our knowledge; This variant is associated with the following publications: (PMID: 27839871)

NM_001134407.3(GRIN2A):c.3391G>C (p.Asp1131His)

Gene: GRIN2A (glutamate ionotropic receptor NMDA type subunit 2A; minus strand). Cytogenetic location: 16p13.2.
Variant type: single nucleotide variant.
Coding change: c.3391G>C on transcript NM_001134407.3 (MANE Select); coding-DNA position 3391, G replaced by C.
Protein change: p.Asp1131His; replaces aspartic acid 1131 with histidine.
Molecular consequence: missense variant.
Genome position (GRCh38, 1-based): chr16:9,764,153, C>G on the plus strand (G>C on the coding strand, the complement: GRIN2A is on the minus strand). VCF-style: chr16-9764153-C-G. GRCh37 (hg19) VCF-style: chr16-9858010-C-G.
Other names: c.3391G>C, p.Asp1131His (NM_000833.5, NM_001134408.2); short protein forms D1131H.
Identifiers: ClinVar variation 1704758 (VCV001704758.2), dbSNP rs1243412120, ClinGen allele CA394707969.